The following is an entry in ClinVar:

NM_001386140.1(MTTP):c.2144C>G (p.Ser715Cys)

Gene: MTTP (microsomal triglyceride transfer protein; plus strand). Cytogenetic location: 4q23.
Variant type: single nucleotide variant.
Coding change: c.2144C>G on transcript NM_001386140.1 (MANE Select); coding-DNA position 2144, C replaced by G.
Protein change: p.Ser715Cys; replaces serine 715 with cysteine.
Molecular consequence: missense variant.
Genome position (GRCh38, 1-based): chr4:99,613,067, C>G. VCF-style: chr4-99613067-C-G. GRCh37 (hg19) VCF-style: chr4-100534224-C-G.
Other names: p.Ser715Cys; c.2144C>G, p.Ser715Cys (NM_000253.4); c.1895C>G, p.Ser632Cys (NM_001300785.2); short protein forms S715C, S632C.
Identifiers: ClinVar variation 842488 (VCV000842488.10), dbSNP rs149228079, ClinGen allele CA3022294.

ClinVar aggregate classification (germline): Uncertain significance. Review status: criteria provided, multiple submitters, no conflicts (2 of 4 stars). 5 submissions from 5 submitters: Uncertain significance (2). 3 of the submissions do not count toward it. Last evaluated 2025-08-27.

Conditions:
Abetalipoproteinaemia (ABL). Also called: Abetalipoproteinemia; Abetalipoproteinemia neuropathy; Apolipoprotein B deficiency; Congenital betalipoprotein deficiency syndrome; MTP DEFICIENCY. Identifiers: Orphanet 14, MedGen C0000744, MONDO:0008692, OMIM 200100, HP:0008181.

Allele frequency attached by ClinVar (database versions not stated): gnomAD 0.00001; TOPMed 0.00001; gnomAD exomes 0.00003; ExAC 0.00004; ESP Exome Variant Server 0.00008.
gnomAD v4.1: 45 of 1,613,948 alleles (0.0028%); highest among the groups gnomAD compares: Non-Finnish European, 0.0037%; no homozygotes.

Submissions (5):

Mayo Clinic Laboratories, Mayo Clinic
Classification: Uncertain significance. Last evaluated: 2025-08-27. Review status: criteria provided, single submitter. Criteria: ACMG Guidelines, 2015. Collection method: clinical testing. Allele origin: germline. Observed: 1 variant allele.

Labcorp Genetics (formerly Invitae), Labcorp
Classification: Uncertain significance. Last evaluated: 2024-11-18. Review status: criteria provided, single submitter. Criteria: Invitae Variant Classification Sherloc (09022015). Collection method: clinical testing. Allele origin: germline.
Comment: This sequence change replaces serine, which is neutral and polar, with cysteine, which is neutral and slightly polar, at codon 715 of the MTTP protein (p.Ser715Cys). This variant is present in population databases (rs149228079, gnomAD 0.007%). This variant has not been reported in the literature in individuals affected with MTTP-related conditions. ClinVar contains an entry for this variant (Variation ID: 842488). Invitae Evidence Modeling of protein sequence and biophysical properties (such as structural, functional, and spatial information, amino acid conservation, physicochemical variation, residue mobility, and thermodynamic stability) indicates that this missense variant is expected to disrupt MTTP protein function with a positive predictive value of 80%. In summary, the available evidence is currently insufficient to determine the role of this variant in disease. Therefore, it has been classified as a Variant of Uncertain Significance.

Natera, Inc.
Classification: Uncertain significance for Abetalipoproteinemia. Last evaluated: 2020-09-16. Review status: no assertion criteria provided. Collection method: clinical testing. Allele origin: germline. Not counted in ClinVar's aggregate classification.

Clinical Genetics DNA and cytogenetics Diagnostics Lab, Erasmus MC, Erasmus Medical Center
Classification: Uncertain significance. Review status: no assertion criteria provided. Collection method: clinical testing. Allele origin: germline. Affected: yes. Study: VKGL Data-share Consensus. Not counted in ClinVar's aggregate classification.

Clinical Genetics, Academic Medical Center
Classification: Uncertain significance. Review status: no assertion criteria provided. Collection method: clinical testing. Allele origin: germline. Affected: yes. Study: VKGL Data-share Consensus. Not counted in ClinVar's aggregate classification.